The following is an entry in ClinVar:

NM_004100.5(EYA4):c.832C>T (p.Gln278Ter)

Gene: EYA4 (EYA transcriptional coactivator and phosphatase 4; plus strand). Cytogenetic location: 6q23.2.
Variant type: single nucleotide variant.
Coding change: c.832C>T on transcript NM_004100.5 (MANE Select); coding-DNA position 832, C replaced by T.
Protein change: p.Gln278Ter; replaces glutamine 278 with a stop codon.
Molecular consequence: nonsense.
Genome position (GRCh38, 1-based): chr6:133,468,593, C>T. VCF-style: chr6-133468593-C-T. GRCh37 (hg19) VCF-style: chr6-133789731-C-T.
Other names: c.670C>T, p.Gln224Ter (NM_001301012.2, NM_001370459.1); c.832C>T, p.Gln278Ter (NM_001301013.2, NM_172105.4); c.763C>T, p.Gln255Ter (NM_001370458.1, NM_172103.4); short protein forms Q224*, Q255*, Q278*.
Identifiers: ClinVar variation 1380128 (VCV001380128.6), dbSNP rs2128674457, ClinGen allele CA365703366.

ClinVar aggregate classification (germline): Pathogenic (1 of 4 stars; one submission).

Conditions:
Dilated cardiomyopathy 1J (CMD1J). Also called: CARDIOMYOPATHY, DILATED, WITH SENSORINEURAL HEARING LOSS, AUTOSOMAL DOMINANT. Identifiers: Orphanet 217622, MedGen C1854368, MONDO:0011541, OMIM 605362.

Submission:

Labcorp Genetics (formerly Invitae), Labcorp
Classification: Pathogenic for Dilated cardiomyopathy 1J. Last evaluated: 2023-08-17. Review status: criteria provided, single submitter. Criteria: Invitae Variant Classification Sherloc (09022015). Collection method: clinical testing. Allele origin: germline.
Comment: For these reasons, this variant has been classified as Pathogenic. ClinVar contains an entry for this variant (Variation ID: 1380128). This variant has not been reported in the literature in individuals affected with EYA4-related conditions. This variant is not present in population databases (gnomAD no frequency). This sequence change creates a premature translational stop signal (p.Gln278*) in the EYA4 gene. It is expected to result in an absent or disrupted protein product. Loss-of-function variants in EYA4 are known to be pathogenic (PMID: 11159937, 25781927, 25963406).

Literature cited by the submitters: PubMed 11159937; PubMed 25781927; PubMed 25963406.